The following is an entry in ClinVar:

NM_001256789.3(CACNA1F):c.2966T>G (p.Ile989Ser)

Gene: CACNA1F (calcium voltage-gated channel subunit alpha1 F; minus strand). Cytogenetic location: Xp11.23.
Variant type: single nucleotide variant.
Coding change: c.2966T>G on transcript NM_001256789.3 (MANE Select); coding-DNA position 2966, T replaced by G.
Protein change: p.Ile989Ser; replaces isoleucine 989 with serine.
Molecular consequence: missense variant.
Genome position (GRCh38, 1-based): chrX:49,217,968, A>C on the plus strand (T>G on the coding strand, the complement: CACNA1F is on the minus strand). VCF-style: chrX-49217968-A-C. GRCh37 (hg19) VCF-style: chrX-49074427-A-C.
Other names: c.2804T>G, p.Ile935Ser (NM_001256790.3); c.2999T>G, p.Ile1000Ser (NM_005183.4); short protein forms I1000S, I989S, I935S.
Identifiers: ClinVar variation 2093034 (VCV002093034.4), dbSNP rs2520906391, ClinGen allele CA412964474.

ClinVar aggregate classification (germline): Uncertain significance (1 of 4 stars; one submission).

Submission:

Labcorp Genetics (formerly Invitae), Labcorp
Classification: Uncertain significance. Last evaluated: 2022-11-22. Review status: criteria provided, single submitter. Criteria: Invitae Variant Classification Sherloc (09022015). Collection method: clinical testing. Allele origin: germline.
Comment: Advanced modeling of protein sequence and biophysical properties (such as structural, functional, and spatial information, amino acid conservation, physicochemical variation, residue mobility, and thermodynamic stability) performed at Invitae indicates that this missense variant is expected to disrupt CACNA1F protein function. This variant has not been reported in the literature in individuals affected with CACNA1F-related conditions. This variant is not present in population databases (gnomAD no frequency). This sequence change replaces isoleucine, which is neutral and non-polar, with serine, which is neutral and polar, at codon 1000 of the CACNA1F protein (p.Ile1000Ser). In summary, the available evidence is currently insufficient to determine the role of this variant in disease. Therefore, it has been classified as a Variant of Uncertain Significance.